The following is an entry in ClinVar:

ClinVar aggregate classification (germline): Uncertain significance. Review status: criteria provided, multiple submitters, no conflicts (2 of 4 stars). 2 submissions from 2 submitters: Uncertain significance (2). Last evaluated 2022-08-26.

Conditions:
Inborn genetic diseases. Identifiers: MedGen C0950123, MeSH D030342.

Allele frequency attached by ClinVar (database versions not stated): gnomAD 0.00003; gnomAD exomes 0.00003; TOPMed 0.00005.
gnomAD v4.1: 21 of 1,607,094 alleles (0.0013%); highest among the groups gnomAD compares: Admixed American, 0.032%; no homozygotes.

Submissions (2):

Ambry Genetics
Classification: Uncertain significance for Inborn genetic diseases. Last evaluated: 2022-08-26. Review status: criteria provided, single submitter. Criteria: Ambry Variant Classification Scheme 2023. Collection method: clinical testing. Allele origin: germline.

Labcorp Genetics (formerly Invitae), Labcorp
Classification: Uncertain significance. Last evaluated: 2021-12-23. Review status: criteria provided, single submitter. Criteria: Invitae Variant Classification Sherloc (09022015). Collection method: clinical testing. Allele origin: germline.
Comment: This sequence change replaces threonine, which is neutral and polar, with isoleucine, which is neutral and non-polar, at codon 1022 of the SLC12A1 protein (p.Thr1022Ile). This variant is present in population databases (no rsID available, gnomAD 0.02%). This variant has not been reported in the literature in individuals affected with SLC12A1-related conditions. Algorithms developed to predict the effect of missense changes on protein structure and function are either unavailable or do not agree on the potential impact of this missense change (SIFT: "Deleterious"; PolyPhen-2: "Probably Damaging"; Align-GVGD: "Class C0"). In summary, the available evidence is currently insufficient to determine the role of this variant in disease. Therefore, it has been classified as a Variant of Uncertain Significance.

NM_000338.3(SLC12A1):c.3065C>T (p.Thr1022Ile)

Gene: SLC12A1 (solute carrier family 12 member 1; plus strand). Cytogenetic location: 15q21.1.
Variant type: single nucleotide variant.
Coding change: c.3065C>T on transcript NM_000338.3 (MANE Select); coding-DNA position 3065, C replaced by T.
Protein change: p.Thr1022Ile; replaces threonine 1022 with isoleucine.
Molecular consequence: missense variant.
Genome position (GRCh38, 1-based): chr15:48,299,244, C>T. VCF-style: chr15-48299244-C-T. GRCh37 (hg19) VCF-style: chr15-48591441-C-T.
Other names: c.3065C>T, p.Thr1022Ile (NM_001184832.2, NM_001384136.1); short protein forms T1022I.
Identifiers: ClinVar variation 1917352 (VCV001917352.3), dbSNP rs1235923638, ClinGen allele CA392321264.
Genomic context (GRCh38, chr15:48,299,244, plus strand): 5'-AAAGCTGCAAAGATTTAACAACTGCTGAGAAATTAAAAAGAGAAACTCCGTGGAAAATTA[C>T]AGATGCAGAACTGGAAGCAGTCAAGGAAAAGGTAAGGATTTGTCTTTCTTAATTTTTTTG-3'
Protein context (NP_000329.2, residues 1012-1032): KLKRETPWKI[Thr1022Ile]DAELEAVKEK